The following is an entry in ClinVar:

ClinVar aggregate classification (germline): Benign (3 of 4 stars; one submission).

Conditions:
Breast-ovarian cancer, familial, susceptibility to, 2 (BROVCA2). Also called: BRCA2 Hereditary Breast and Ovarian Cancer. Identifiers: Orphanet 145, MedGen C2675520, MONDO:0012933, OMIM 612555. Disease mechanism: loss of function.

Allele frequency attached by ClinVar (database versions not stated): 1000 Genomes Project 0.00319; 1000 Genomes Project 30x 0.00359; gnomAD 0.00374 and 0.00384; TOPMed 0.00445.
gnomAD v4.1: 572 of 152,132 alleles (0.38%); highest among the groups gnomAD compares: Admixed American, 0.86%; 2 homozygotes.

Submission:

Evidence-based Network for the Interpretation of Germline Mutant Alleles (ENIGMA)
Classification: Benign for Breast-ovarian cancer, familial, susceptibility to, 2. Last evaluated: 2016-09-28. Review status: reviewed by expert panel. Criteria: ENIGMA BRCA1/2 Classification Criteria (2015). Collection method: curation. Allele origin: germline.
Comment: Class 1 not pathogenic based on frequency >1% in an outbred sampleset. Frequency 0.0115 (Admixed American/Latino), derived from 1000 genomes (2013-05-02).

NM_000059.4(BRCA2):c.6842-1384A>G

Gene: BRCA2 (BRCA2 DNA repair associated; plus strand). Cytogenetic location: 13q13.1.
Variant type: single nucleotide variant.
Coding change: c.6842-1384A>G on transcript NM_000059.4 (MANE Select); 1384 bases into the intron before coding-DNA position 6842, A replaced by G.
Molecular consequence: intron variant.
Genome position (GRCh38, 1-based): chr13:32,343,174, A>G. VCF-style: chr13-32343174-A-G. GRCh37 (hg19) VCF-style: chr13-32917311-A-G.
Identifiers: ClinVar variation 264914 (VCV000264914.1), dbSNP rs143233595, ClinGen allele CA10588098.